The following is an entry in ClinVar:

NM_033026.6(PCLO):c.8959A>T (p.Ile2987Phe)

Gene: PCLO (piccolo presynaptic cytomatrix protein; minus strand). Cytogenetic location: 7q21.11.
Variant type: single nucleotide variant.
Coding change: c.8959A>T on transcript NM_033026.6 (MANE Select); coding-DNA position 8959, A replaced by T.
Protein change: p.Ile2987Phe; replaces isoleucine 2987 with phenylalanine.
Molecular consequence: missense variant.
Genome position (GRCh38, 1-based): chr7:82,951,994, T>A on the plus strand (A>T on the coding strand, the complement: PCLO is on the minus strand). VCF-style: chr7-82951994-T-A. GRCh37 (hg19) VCF-style: chr7-82581310-T-A.
Other names: c.8959A>T, p.Ile2987Phe (NM_014510.3); c.8959A>T (NM_033026.5); short protein forms I2987F.
Identifiers: ClinVar variation 1401722 (VCV001401722.5), dbSNP rs755949380, ClinGen allele CA4320026.

ClinVar aggregate classification (germline): Uncertain significance. Review status: criteria provided, multiple submitters, no conflicts (2 of 4 stars). 2 submissions from 2 submitters: Uncertain significance (2). Last evaluated 2024-11-11.

Conditions:
Inborn genetic diseases. Identifiers: MedGen C0950123, MeSH D030342.

Allele frequency attached by ClinVar (database versions not stated): ExAC 0.00001; TOPMed 0.00001; gnomAD 0.00002; gnomAD exomes 0.00002.
gnomAD v4.1: 26 of 1,613,740 alleles (0.0016%); highest among the groups gnomAD compares: African/African-American, 0.0053%; no homozygotes.

Submissions (2):

Labcorp Genetics (formerly Invitae), Labcorp
Classification: Uncertain significance. Last evaluated: 2024-11-11. Review status: criteria provided, single submitter. Criteria: Invitae Variant Classification Sherloc (09022015). Collection method: clinical testing. Allele origin: germline.
Comment: This sequence change replaces isoleucine, which is neutral and non-polar, with phenylalanine, which is neutral and non-polar, at codon 2987 of the PCLO protein (p.Ile2987Phe). This variant is present in population databases (rs755949380, gnomAD 0.01%). This variant has not been reported in the literature in individuals affected with PCLO-related conditions. ClinVar contains an entry for this variant (Variation ID: 1401722). Experimental studies and prediction algorithms are not available or were not evaluated, and the functional significance of this variant is currently unknown. In summary, the available evidence is currently insufficient to determine the role of this variant in disease. Therefore, it has been classified as a Variant of Uncertain Significance.

Ambry Genetics
Classification: Uncertain significance for Inborn genetic diseases. Last evaluated: 2023-08-08. Review status: criteria provided, single submitter. Criteria: Ambry Variant Classification Scheme 2023. Collection method: clinical testing. Allele origin: germline.